The following is an entry in ClinVar:

NM_000038.6(APC):c.6709C>A (p.Arg2237=)

Gene: APC (APC regulator of Wnt signaling pathway; plus strand). Cytogenetic location: 5q22.2.
Variant type: single nucleotide variant.
Coding change: c.6709C>A on transcript NM_000038.6 (MANE Select); coding-DNA position 6709, C replaced by A.
Protein change: p.Arg2237=; no amino-acid change (arginine 2237 retained).
Molecular consequence: synonymous variant.
Genome position (GRCh38, 1-based): chr5:112,842,303, C>A. VCF-style: chr5-112842303-C-A. GRCh37 (hg19) VCF-style: chr5-112178000-C-A.
Other names: c.6709C>A, p.Arg2237= (NM_001127510.3, NM_001354895.2); c.6655C>A, p.Arg2219= (NM_001127511.3); c.6763C>A, p.Arg2255= (NM_001354896.2); c.6739C>A, p.Arg2247= (NM_001354897.2); c.6634C>A, p.Arg2212= (NM_001354898.2); c.6625C>A, p.Arg2209= (NM_001354899.2); c.6586C>A, p.Arg2196= (NM_001354900.2); c.6532C>A, p.Arg2178= (NM_001354901.2); and 5 more.
Identifiers: ClinVar variation 233340 (VCV000233340.17), dbSNP rs768922431, ClinGen allele CA10578435.

ClinVar aggregate classification (germline): Benign/Likely benign. Review status: criteria provided, multiple submitters, no conflicts (2 of 4 stars). 5 submissions from 5 submitters: Benign (1); Likely benign (4). Last evaluated 2026-01-02.

Conditions:
Classic or attenuated familial adenomatous polyposis. Identifiers: MedGen CN372698, MONDO:0021057.
Familial adenomatous polyposis 1 (FAP1). Also called: FAMILIAL ADENOMATOUS POLYPOSIS 1, ATTENUATED; POLYPOSIS, ADENOMATOUS INTESTINAL. Identifiers: MedGen C2713442, MONDO:0021056, OMIM 175100. Disease mechanism: loss of function.
Hereditary cancer-predisposing syndrome. Also called: Neoplastic Syndromes, Hereditary; Tumor predisposition; Hereditary Cancer Syndrome; Hereditary neoplastic syndrome. Identifiers: Orphanet 140162, MedGen C0027672, MeSH D009386, MONDO:0015356.

Submissions (5):

Labcorp Genetics (formerly Invitae), Labcorp
Classification: Likely benign for Familial adenomatous polyposis 1. Last evaluated: 2026-01-02. Review status: criteria provided, single submitter. Criteria: Invitae Variant Classification Sherloc (09022015). Collection method: clinical testing. Allele origin: germline.

Myriad Genetics, Inc.
Classification: Benign for Familial adenomatous polyposis 1. Last evaluated: 2024-04-05. Review status: criteria provided, single submitter. Criteria: Myriad Autosomal Dominant, Autosomal Recessive and X-Linked Classification Criteria (2023). Collection method: clinical testing. Allele origin: unknown.
Comment: This variant is considered benign. This variant is a silent/synonymous amino acid change and it is not expected to impact splicing.

All of Us Research Program, National Institutes of Health
Classification: Likely benign for Classic or attenuated familial adenomatous polyposis. Last evaluated: 2023-05-31. Review status: criteria provided, single submitter. Criteria: ACMG Guidelines, 2015. Collection method: clinical testing. Allele origin: germline. Inheritance: Autosomal dominant inheritance. Observed: 1 variant allele, 1 heterozygote.
Comment: This study involves interpretation of variants in research participants for the purpose of population health screening. Participant phenotype was not available at the time of variant classification. Additional details can be found in publication PMID: 35346344, PMCID: PMC8962531

Color Diagnostics, LLC DBA Color Health
Classification: Likely benign for Hereditary cancer-predisposing syndrome. Last evaluated: 2018-04-26. Review status: criteria provided, single submitter. Criteria: ACMG Guidelines, 2015. Collection method: clinical testing. Allele origin: germline.

Ambry Genetics
Classification: Likely benign for Hereditary cancer-predisposing syndrome. Last evaluated: 2015-08-06. Review status: criteria provided, single submitter. Criteria: Ambry Variant Classification Scheme 2023. Collection method: clinical testing. Allele origin: germline.